The following is an entry in ClinVar:

NM_001111125.3(IQSEC2):c.3791T>C (p.Leu1264Pro)

Gene: IQSEC2 (IQ motif and Sec7 domain ArfGEF 2; minus strand). Cytogenetic location: Xp11.22.
Variant type: single nucleotide variant.
Coding change: c.3791T>C on transcript NM_001111125.3 (MANE Select); coding-DNA position 3791, T replaced by C.
Protein change: p.Leu1264Pro; replaces leucine 1264 with proline.
Molecular consequence: missense variant. On other transcripts: 3 prime UTR variant (4), intron variant (2).
Genome position (GRCh38, 1-based): chrX:53,234,895, A>G on the plus strand (T>C on the coding strand, the complement: IQSEC2 is on the minus strand). VCF-style: chrX-53234895-A-G. GRCh37 (hg19) VCF-style: chrX-53264077-A-G.
Other names: c.*276T>C (NM_001441093.1, NM_001441094.1, NM_015075.2 and 1 more transcripts); c.3451+1427T>C (NM_001441092.1); c.2740+1427T>C (NM_001441095.1); short protein forms L1264P.
Identifiers: ClinVar variation 4801013 (VCV004801013.1).

ClinVar aggregate classification (germline): Uncertain significance (1 of 4 stars; one submission).

Conditions:
Intellectual developmental disorder, X-linked 1. Also called: Atkin Flaitz Patil Smith syndrome; MENTAL RETARDATION, X-LINKED 18; MENTAL RETARDATION, X-LINKED 78; Intellectual disability, X-linked 1. Identifiers: Orphanet 777, MedGen C2931498, MONDO:0010656, OMIM 309530.

Submission:

Labcorp Genetics (formerly Invitae), Labcorp
Classification: Uncertain significance for Intellectual developmental disorder, X-linked 1. Last evaluated: 2025-11-09. Review status: criteria provided, single submitter. Criteria: Invitae Variant Classification Sherloc (09022015). Collection method: clinical testing. Allele origin: germline.
Comment: This sequence change replaces leucine, which is neutral and non-polar, with proline, which is neutral and non-polar, at codon 1264 of the IQSEC2 protein (p.Leu1264Pro). This variant is not present in population databases (gnomAD no frequency). This variant has not been reported in the literature in individuals affected with IQSEC2-related conditions. Invitae Evidence Modeling of protein sequence and biophysical properties (such as structural, functional, and spatial information, amino acid conservation, physicochemical variation, residue mobility, and thermodynamic stability) indicates that this missense variant is not expected to disrupt IQSEC2 protein function with a negative predictive value of 95%. In summary, the available evidence is currently insufficient to determine the role of this variant in disease. Therefore, it has been classified as a Variant of Uncertain Significance.